The following is an entry in ClinVar:

ClinVar aggregate classification (germline): Uncertain significance. Review status: criteria provided, multiple submitters, no conflicts (2 of 4 stars). 2 submissions from 2 submitters: Uncertain significance (2). Last evaluated 2026-03-23.

Conditions:
Hereditary cancer-predisposing syndrome. Also called: Hereditary Cancer Syndrome; Hereditary neoplastic syndrome; Neoplastic Syndromes, Hereditary; Tumor predisposition. Identifiers: Orphanet 140162, MedGen C0027672, MeSH D009386, MONDO:0015356.
DICER1-related tumor predisposition. Also called: DICER1-related pleuropulmonary blastoma cancer predisposition syndrome; DICER1 syndrome. Identifiers: Orphanet 284343, MedGen C3839822, MONDO:0100216.

Submissions (2):

Ambry Genetics
Classification: Uncertain significance for Hereditary cancer-predisposing syndrome. Last evaluated: 2026-03-23. Review status: criteria provided, single submitter. Criteria: Ambry Variant Classification Scheme 2023. Collection method: clinical testing. Allele origin: germline.
Comment: The p.A308V variant (also known as c.923C>T), located in coding exon 7 of the DICER1 gene, results from a C to T substitution at nucleotide position 923. The alanine at codon 308 is replaced by valine, an amino acid with similar properties. This amino acid position is conserved. In addition, this alteration is predicted to be tolerated by in silico analysis. Based on the available evidence, the clinical significance of this variant remains unclear.

Labcorp Genetics (formerly Invitae), Labcorp
Classification: Uncertain significance for DICER1-related tumor predisposition. Last evaluated: 2024-10-02. Review status: criteria provided, single submitter. Criteria: Invitae Variant Classification Sherloc (09022015). Collection method: clinical testing. Allele origin: germline.
Comment: This sequence change replaces alanine, which is neutral and non-polar, with valine, which is neutral and non-polar, at codon 308 of the DICER1 protein (p.Ala308Val). This variant is not present in population databases (gnomAD no frequency). This variant has not been reported in the literature in individuals affected with DICER1-related conditions. Invitae Evidence Modeling of protein sequence and biophysical properties (such as structural, functional, and spatial information, amino acid conservation, physicochemical variation, residue mobility, and thermodynamic stability) indicates that this missense variant is not expected to disrupt DICER1 protein function with a negative predictive value of 80%. In summary, the available evidence is currently insufficient to determine the role of this variant in disease. Therefore, it has been classified as a Variant of Uncertain Significance.

NM_177438.3(DICER1):c.923C>T (p.Ala308Val)

Gene: DICER1 (dicer 1, ribonuclease III; minus strand). Cytogenetic location: 14q32.13.
Variant type: single nucleotide variant.
Coding change: c.923C>T on transcript NM_177438.3 (MANE Select); coding-DNA position 923, C replaced by T.
Protein change: p.Ala308Val; replaces alanine 308 with valine.
Molecular consequence: missense variant. On other transcripts: 5 prime UTR variant (1), non-coding transcript variant (6).
Genome position (GRCh38, 1-based): chr14:95,124,649, G>A on the plus strand (C>T on the coding strand, the complement: DICER1 is on the minus strand). VCF-style: chr14-95124649-G-A. GRCh37 (hg19) VCF-style: chr14-95590986-G-A.
Other names: c.923C>T, p.Ala308Val (NM_001395677.1, NM_001395678.1, NM_001395679.1 and 14 more transcripts); c.641C>T, p.Ala214Val (NM_001395686.1); c.518C>T, p.Ala173Val (NM_001395687.1, NM_001395688.1, NM_001395689.1 and 3 more transcripts); c.356C>T, p.Ala119Val (NM_001395691.1); c.-646C>T (NM_001395697.1); short protein forms A308V, A119V, A173V, A214V.
Identifiers: ClinVar variation 3688370 (VCV003688370.3).